The following is an entry in ClinVar:

NM_000059.4(BRCA2):c.4873G>A (p.Glu1625Lys)

Gene: BRCA2 (BRCA2 DNA repair associated; plus strand). Cytogenetic location: 13q13.1.
Variant type: single nucleotide variant.
Coding change: c.4873G>A on transcript NM_000059.4 (MANE Select); coding-DNA position 4873, G replaced by A.
Protein change: p.Glu1625Lys; replaces glutamic acid 1625 with lysine.
Molecular consequence: missense variant.
Genome position (GRCh38, 1-based): chr13:32,339,228, G>A. VCF-style: chr13-32339228-G-A. GRCh37 (hg19) VCF-style: chr13-32913365-G-A.
Other names: 5101G>A; short protein forms E1625K.
Identifiers: ClinVar variation 142833 (VCV000142833.27), dbSNP rs587782754, ClinGen allele CA020938.

ClinVar aggregate classification (germline): Conflicting classifications of pathogenicity. Review status: criteria provided, conflicting classifications (1 of 4 stars). 9 submissions from 9 submitters: Uncertain significance (5); Likely benign (2). 2 of the submissions do not count toward it. Last evaluated 2025-07-22.

Conditions:
BRCA2-related cancer predisposition. Identifiers: MedGen CN377758, MONDO:0700269.
Hereditary cancer-predisposing syndrome. Also called: Tumor predisposition; Neoplastic Syndromes, Hereditary; Hereditary neoplastic syndrome; Hereditary Cancer Syndrome. Identifiers: Orphanet 140162, MedGen C0027672, MeSH D009386, MONDO:0015356.
Hereditary breast ovarian cancer syndrome. Also called: Hereditary breast and ovarian cancer; Hereditary breast and ovarian cancer syndrome (HBOC); Hereditary breast and ovarian cancer syndrome; BRCA1- and BRCA2-Associated Hereditary Breast and Ovarian Cancer; Breast and ovarian cancer; Hereditary breast and/or ovarian cancer syndrome. Identifiers: Orphanet 145, MedGen C0677776, MeSH D061325, MONDO:0003582. Disease mechanism: loss of function.
Breast-ovarian cancer, familial, susceptibility to, 2 (BROVCA2). Also called: BRCA2 Hereditary Breast and Ovarian Cancer. Identifiers: Orphanet 145, MedGen C2675520, MONDO:0012933, OMIM 612555. Disease mechanism: loss of function.

Allele frequency attached by ClinVar (database versions not stated): gnomAD exomes 0.00001 and 0.00004; ExAC 0.00004.
gnomAD v4.1: 19 of 1,613,116 alleles (0.0012%); highest among the groups gnomAD compares: South Asian, 0.018%; no homozygotes.

Submissions (9):

Labcorp Genetics (formerly Invitae), Labcorp
Classification: Uncertain significance for Hereditary breast ovarian cancer syndrome. Last evaluated: 2025-07-22. Review status: criteria provided, single submitter. Criteria: Invitae Variant Classification Sherloc (09022015). Collection method: clinical testing. Allele origin: germline.
Comment: This sequence change replaces glutamic acid, which is acidic and polar, with lysine, which is basic and polar, at codon 1625 of the BRCA2 protein (p.Glu1625Lys). This variant is present in population databases (rs587782754, gnomAD 0.02%). This variant has not been reported in the literature in individuals affected with BRCA2-related conditions. ClinVar contains an entry for this variant (Variation ID: 142833). Invitae Evidence Modeling of protein sequence and biophysical properties (such as structural, functional, and spatial information, amino acid conservation, physicochemical variation, residue mobility, and thermodynamic stability) indicates that this missense variant is not expected to disrupt BRCA2 protein function with a negative predictive value of 95%. In summary, the available evidence is currently insufficient to determine the role of this variant in disease. Therefore, it has been classified as a Variant of Uncertain Significance.

GeneDx
Classification: Uncertain significance. Last evaluated: 2025-06-03. Review status: criteria provided, single submitter. Criteria: GeneDx Variant Classification Process June 2021. Collection method: clinical testing. Allele origin: germline. Affected: yes.
Comment: Has not been previously published as pathogenic or benign to our knowledge; Also known as 5101G>A; In silico analysis supports that this missense variant has a deleterious effect on protein structure/function; This variant is associated with the following publications: (PMID: 28726806)

Color Diagnostics, LLC DBA Color Health
Classification: Uncertain significance for Hereditary cancer-predisposing syndrome. Last evaluated: 2025-05-27. Review status: criteria provided, single submitter. Criteria: ACMG Guidelines, 2015. Collection method: clinical testing. Allele origin: germline.
Comment: This missense variant replaces glutamic acid with lysine at codon 1625 of the BRCA2 protein. Computational prediction suggests that this variant may not impact protein structure and function. To our knowledge, functional studies have not been reported for this variant. This variant has not been reported in individuals affected with BRCA2-related disorders in the literature. This variant has been identified in 9/249578 chromosomes in the general population by the Genome Aggregation Database (gnomAD). The available evidence is insufficient to determine the role of this variant in disease conclusively. Therefore, this variant is classified as a Variant of Uncertain Significance.

Women's Health and Genetics/Laboratory Corporation of America, LabCorp
Classification: Uncertain significance. Last evaluated: 2024-10-13. Review status: criteria provided, single submitter. Criteria: LabCorp Variant Classification Summary - May 2015. Collection method: clinical testing. Allele origin: germline.

Department of Pathology and Laboratory Medicine, Sinai Health System
Classification: Uncertain significance for BRCA2-related cancer predisposition. Last evaluated: 2024-07-23. Review status: criteria provided, single submitter. Criteria: ACMG Guidelines, 2015. Collection method: clinical testing. Allele origin: germline. Affected: yes.

University of Washington Department of Laboratory Medicine, University of Washington
Classification: Likely benign for Hereditary cancer-predisposing syndrome. Last evaluated: 2023-03-23. Review status: criteria provided, single submitter. Criteria: Dines et al. (Genet Med. 2020). Collection method: curation. Allele origin: germline.
Comment: Missense variant in a coldspot region where missense variants are very unlikely to be pathogenic (PMID:31911673).

BRCA2 exon 11 coldspot. Reclassification based on statistical prior probability.

Ambry Genetics
Classification: Likely benign for Hereditary cancer-predisposing syndrome. Last evaluated: 2021-06-01. Review status: criteria provided, single submitter. Criteria: Ambry Variant Classification Scheme 2023. Collection method: clinical testing. Allele origin: germline.

Counsyl
Classification: Uncertain significance for Breast-ovarian cancer, familial, susceptibility to, 2. Last evaluated: 2017-04-06. Review status: no assertion criteria provided. Collection method: clinical testing. Allele origin: unknown. Not counted in ClinVar's aggregate classification.

Sharing Clinical Reports Project (SCRP)
Classification: Uncertain significance for Breast-ovarian cancer, familial 2. Last evaluated: 2011-02-17. Review status: no assertion criteria provided. Collection method: clinical testing. Allele origin: germline. Not counted in ClinVar's aggregate classification.